The following is an entry in ClinVar:

NM_002336.3(LRP6):c.4106A>G (p.Gln1369Arg)

Gene: LRP6 (LDL receptor related protein 6; minus strand). Cytogenetic location: 12p13.2.
Variant type: single nucleotide variant.
Coding change: c.4106A>G on transcript NM_002336.3 (MANE Select); coding-DNA position 4106, A replaced by G.
Protein change: p.Gln1369Arg; replaces glutamine 1369 with arginine.
Molecular consequence: missense variant.
Genome position (GRCh38, 1-based): chr12:12,126,897, T>C on the plus strand (A>G on the coding strand, the complement: LRP6 is on the minus strand). VCF-style: chr12-12126897-T-C. GRCh37 (hg19) VCF-style: chr12-12279831-T-C.
Other names: c.4106A>G (NM_002336.2); short protein forms Q1369R.
Identifiers: ClinVar variation 1601093 (VCV001601093.10), dbSNP rs149660386, ClinGen allele CA6455032.
Genomic context (GRCh38, chr12:12,126,897, plus strand): 5'-GTTCCAGACACAAAAATGGTGACAATTACGCCAATAACAGAACCAACTGTATTGGTGGCC[T>C]GTGGTGCTGGTTCTTCAGTCGGATCTACAATGAAGAATGCAGTATGGTTATTTAATAGAA-3'
Protein context (NP_002327.2, residues 1359-1379): DCYPTEEPAP[Gln1369Arg]ATNTVGSVIG

ClinVar aggregate classification (germline): Benign. Review status: criteria provided, single submitter (1 of 4 stars). 2 submissions from 2 submitters: Benign (1). 1 of the submissions does not count toward it. Last evaluated 2025-11-25.

Conditions:
LRP6-related disorder. Also called: LRP6-related condition.

Allele frequency attached by ClinVar (database versions not stated): gnomAD exomes 0.00009 and 0.00029; ExAC 0.00029; ESP Exome Variant Server 0.00077; gnomAD 0.00111; 1000 Genomes Project 0.00120; TOPMed 0.00122; 1000 Genomes Project 30x 0.00125.
gnomAD v4.1: 306 of 1,614,152 alleles (0.019%); highest among the groups gnomAD compares: African/African-American, 0.35%; no homozygotes.

Submissions (2):

Labcorp Genetics (formerly Invitae), Labcorp
Classification: Benign. Last evaluated: 2025-11-25. Review status: criteria provided, single submitter. Criteria: Invitae Variant Classification Sherloc (09022015). Collection method: clinical testing. Allele origin: germline.

PreventionGenetics, part of Exact Sciences
Classification: Likely benign for LRP6-related condition. Last evaluated: 2019-10-28. Review status: no assertion criteria provided. Collection method: clinical testing. Allele origin: germline. Not counted in ClinVar's aggregate classification.
Comment: This variant is classified as likely benign based on ACMG/AMP sequence variant interpretation guidelines (Richards et al. 2015 PMID: 25741868, with internal and published modifications).